The following is an entry in ClinVar:

NM_000390.4(CHM):c.1748G>A (p.Gly583Glu)

Gene: CHM (CHM Rab escort protein; minus strand). Cytogenetic location: Xq21.2.
Variant type: single nucleotide variant.
Coding change: c.1748G>A on transcript NM_000390.4 (MANE Select); coding-DNA position 1748, G replaced by A.
Protein change: p.Gly583Glu; replaces glycine 583 with glutamic acid.
Molecular consequence: missense variant.
Genome position (GRCh38, 1-based): chrX:85,873,074, C>T on the plus strand (G>A on the coding strand, the complement: CHM is on the minus strand). VCF-style: chrX-85873074-C-T. GRCh37 (hg19) VCF-style: chrX-85128079-C-T.
Other names: c.1304G>A, p.Gly435Glu (NM_001320959.1, NM_001362517.1, NM_001362518.2 and 1 more transcripts); short protein forms G435E, G583E.
Identifiers: ClinVar variation 2007306 (VCV002007306.4), dbSNP rs936248789, ClinGen allele CA332648282.

ClinVar aggregate classification (germline): Uncertain significance (1 of 4 stars; one submission).

Allele frequency attached by ClinVar (database versions not stated): TOPMed below 0.00001.

Submission:

Labcorp Genetics (formerly Invitae), Labcorp
Classification: Uncertain significance. Last evaluated: 2022-06-15. Review status: criteria provided, single submitter. Criteria: Invitae Variant Classification Sherloc (09022015). Collection method: clinical testing. Allele origin: germline.
Comment: In summary, the available evidence is currently insufficient to determine the role of this variant in disease. Therefore, it has been classified as a Variant of Uncertain Significance. Algorithms developed to predict the effect of missense changes on protein structure and function are either unavailable or do not agree on the potential impact of this missense change (SIFT: "Tolerated"; PolyPhen-2: "Probably Damaging"; Align-GVGD: "Class C0"). This variant has not been reported in the literature in individuals affected with CHM-related conditions. This variant is not present in population databases (gnomAD no frequency). This sequence change replaces glycine, which is neutral and non-polar, with glutamic acid, which is acidic and polar, at codon 583 of the CHM protein (p.Gly583Glu).